The following is an entry in ClinVar:

NM_173076.3(ABCA12):c.6463G>T (p.Gly2155Cys)

Genes: ABCA12 (ATP binding cassette subfamily A member 12; minus strand), SNHG31 (small nucleolar RNA host gene 31; plus strand). Cytogenetic location: 2q35.
Variant type: single nucleotide variant.
Coding change: c.6463G>T on transcript NM_173076.3 (MANE Select); coding-DNA position 6463, G replaced by T.
Protein change: p.Gly2155Cys; replaces glycine 2155 with cysteine.
Molecular consequence: missense variant. On other transcripts: non-coding transcript variant (1).
Genome position (GRCh38, 1-based): chr2:214,954,038, C>A on the plus strand (G>T on the coding strand, the complement: ABCA12 is on the minus strand). VCF-style: chr2-214954038-C-A. GRCh37 (hg19) VCF-style: chr2-215818762-C-A.
Other names: c.5509G>T, p.Gly1837Cys (NM_015657.4); short protein forms G1837C, G2155C.
Identifiers: ClinVar variation 2505565 (VCV002505565.1), dbSNP rs750214847, ClinGen allele CA350446364.

ClinVar aggregate classification (germline): Likely pathogenic (1 of 4 stars; one submission).

Conditions:
Autosomal recessive congenital ichthyosis 4A (LI2). Also called: ICHTHYOSIS CONGENITA IIB. Identifiers: Orphanet 313, MedGen C1832550, MONDO:0011026, OMIM 601277.

gnomAD v4.1: 4 of 1,613,914 alleles (0.00025%); highest among the groups gnomAD compares: South Asian, 0.0022%; no homozygotes.

Submission:

Dr. med. U. Finckh, Human Genetics, Eurofins MVZ
Classification: Likely pathogenic for Autosomal recessive congenital ichthyosis 4A. Review status: criteria provided, single submitter. Criteria: ACMG Guidelines, 2015. Collection method: clinical testing. Allele origin: paternal. Affected: yes.